The following is an entry in ClinVar:

NM_006904.7(PRKDC):c.9752A>G (p.Asn3251Ser)

Gene: PRKDC (protein kinase, DNA-activated, catalytic subunit; minus strand). Cytogenetic location: 8q11.21.
Variant type: single nucleotide variant.
Coding change: c.9752A>G on transcript NM_006904.7 (MANE Select); coding-DNA position 9752, A replaced by G.
Protein change: p.Asn3251Ser; replaces asparagine 3251 with serine.
Molecular consequence: missense variant.
Genome position (GRCh38, 1-based): chr8:47,803,476, T>C on the plus strand (A>G on the coding strand, the complement: PRKDC is on the minus strand). VCF-style: chr8-47803476-T-C. GRCh37 (hg19) VCF-style: chr8-48716037-T-C.
Other names: c.9752A>G, p.Asn3251Ser (NM_001081640.2); short protein forms N3251S.
Identifiers: ClinVar variation 656132 (VCV000656132.3), dbSNP rs199914880, ClinGen allele CA4739484.

ClinVar aggregate classification (germline): Uncertain significance (1 of 4 stars; one submission).

Conditions:
Severe combined immunodeficiency due to DNA-PKcs deficiency. Also called: IMMUNODEFICIENCY 26 WITH NEUROLOGIC ABNORMALITIES; Immunodeficiency 26 with or without neurologic abnormalities. Identifiers: Orphanet 317425, MedGen C4014833, MONDO:0014423, OMIM 615966.

Allele frequency attached by ClinVar (database versions not stated): gnomAD exomes 0.00003 and 0.00010; ExAC 0.00007; ESP Exome Variant Server 0.00033; gnomAD 0.00034 and 0.00035; TOPMed 0.00035.
gnomAD v4.1: 94 of 1,613,716 alleles (0.0058%); highest among the groups gnomAD compares: African/African-American, 0.12%; no homozygotes.

Submission:

Labcorp Genetics (formerly Invitae), Labcorp
Classification: Uncertain significance for Severe combined immunodeficiency due to DNA-PKcs deficiency. Last evaluated: 2022-09-12. Review status: criteria provided, single submitter. Criteria: Invitae Variant Classification Sherloc (09022015). Collection method: clinical testing. Allele origin: germline.
Comment: This sequence change replaces asparagine, which is neutral and polar, with serine, which is neutral and polar, at codon 3251 of the PRKDC protein (p.Asn3251Ser). This variant is present in population databases (rs199914880, gnomAD 0.1%). This variant has not been reported in the literature in individuals affected with PRKDC-related conditions. ClinVar contains an entry for this variant (Variation ID: 656132). Algorithms developed to predict the effect of missense changes on protein structure and function output the following: SIFT: "Not Available"; PolyPhen-2: "Not Available"; Align-GVGD: "Not Available". The serine amino acid residue is found in multiple mammalian species, which suggests that this missense change does not adversely affect protein function. In summary, the available evidence is currently insufficient to determine the role of this variant in disease. Therefore, it has been classified as a Variant of Uncertain Significance.